The following is an entry in ClinVar:

NM_003793.4(CTSF):c.109C>G (p.Pro37Ala)

Gene: CTSF (cathepsin F; minus strand). Cytogenetic location: 11q13.2.
Variant type: single nucleotide variant.
Coding change: c.109C>G on transcript NM_003793.4 (MANE Select); coding-DNA position 109, C replaced by G.
Protein change: p.Pro37Ala; replaces proline 37 with alanine.
Molecular consequence: missense variant.
Genome position (GRCh38, 1-based): chr11:66,568,378, G>C on the plus strand (C>G on the coding strand, the complement: CTSF is on the minus strand). VCF-style: chr11-66568378-G-C. GRCh37 (hg19) VCF-style: chr11-66335849-G-C.
Other names: short protein forms P37A.
Identifiers: ClinVar variation 1996903 (VCV001996903.4), dbSNP rs1857985103, ClinGen allele CA381468349.

ClinVar aggregate classification (germline): Uncertain significance (1 of 4 stars; one submission).

Conditions:
Neuronal ceroid lipofuscinosis 13 (CLN13). Also called: CEROID LIPOFUSCINOSIS, NEURONAL, 13 (KUFS TYPE); CLN13 Disease. Identifiers: Orphanet 352709, Orphanet 79262, MedGen C3715049, MONDO:0014147, OMIM 615362.

Submission:

Labcorp Genetics (formerly Invitae), Labcorp
Classification: Uncertain significance for Neuronal ceroid lipofuscinosis 13. Last evaluated: 2024-10-22. Review status: criteria provided, single submitter. Criteria: Invitae Variant Classification Sherloc (09022015). Collection method: clinical testing. Allele origin: germline.
Comment: This sequence change replaces proline, which is neutral and non-polar, with alanine, which is neutral and non-polar, at codon 37 of the CTSF protein (p.Pro37Ala). This variant is not present in population databases (gnomAD no frequency). This variant has not been reported in the literature in individuals affected with CTSF-related conditions. ClinVar contains an entry for this variant (Variation ID: 1996903). An algorithm developed to predict the effect of missense changes on protein structure and function (PolyPhen-2) suggests that this variant is likely to be tolerated. In summary, the available evidence is currently insufficient to determine the role of this variant in disease. Therefore, it has been classified as a Variant of Uncertain Significance.